The following is an entry in ClinVar:

ClinVar aggregate classification (germline): Uncertain significance (1 of 4 stars; one submission).

Submission:

Labcorp Genetics (formerly Invitae), Labcorp
Classification: Uncertain significance. Last evaluated: 2021-12-09. Review status: criteria provided, single submitter. Criteria: Invitae Variant Classification Sherloc (09022015). Collection method: clinical testing. Allele origin: germline.
Comment: Algorithms developed to predict the effect of missense changes on protein structure and function are either unavailable or do not agree on the potential impact of this missense change (SIFT: "Tolerated"; PolyPhen-2: "Possibly Damaging"; Align-GVGD: "Class C0"). In summary, the available evidence is currently insufficient to determine the role of this variant in disease. Therefore, it has been classified as a Variant of Uncertain Significance. This variant has not been reported in the literature in individuals affected with SLC12A6-related conditions. This variant is not present in population databases (gnomAD no frequency). This sequence change replaces lysine, which is basic and polar, with glutamic acid, which is acidic and polar, at codon 342 of the SLC12A6 protein (p.Lys342Glu).

NM_001365088.1(SLC12A6):c.1024A>G (p.Lys342Glu)

Gene: SLC12A6 (solute carrier family 12 member 6; minus strand). Cytogenetic location: 15q14.
Variant type: single nucleotide variant.
Coding change: c.1024A>G on transcript NM_001365088.1 (MANE Select); coding-DNA position 1024, A replaced by G.
Protein change: p.Lys342Glu; replaces lysine 342 with glutamic acid.
Molecular consequence: missense variant.
Genome position (GRCh38, 1-based): chr15:34,254,442, T>C on the plus strand (A>G on the coding strand, the complement: SLC12A6 is on the minus strand). VCF-style: chr15-34254442-T-C. GRCh37 (hg19) VCF-style: chr15-34546643-T-C.
Other names: c.847A>G, p.Lys283Glu (NM_001042494.2, NM_001042495.2); c.997A>G, p.Lys333Glu (NM_001042496.2); c.979A>G, p.Lys327Glu (NM_001042497.2); c.871A>G, p.Lys291Glu (NM_005135.2); c.1024A>G, p.Lys342Glu (NM_133647.2); short protein forms K291E, K342E, K283E, K327E, K333E.
Identifiers: ClinVar variation 2038940 (VCV002038940.4), dbSNP rs2509816746, ClinGen allele CA391608996.
Genomic context (GRCh38, chr15:34,254,442, plus strand): 5'-CTCCAGCATAGATGGCCAAGATGGACACAATGACACAGGCCAGGAAAAGTGAGGCAAACT[T>C]GTTCACATAGCGTACGCCGATAAATACCACTAATACCATAAGGACCAAGAAAGCTGTGCC-3'
Protein context (NP_001352017.1, residues 332-352): VVFIGVRYVN[Lys342Glu]FASLFLACVI